The following is an entry in ClinVar:

ClinVar aggregate classification (germline): Likely pathogenic. Review status: criteria provided, multiple submitters, no conflicts (2 of 4 stars). 2 submissions from 2 submitters: Likely pathogenic (2). Last evaluated 2026-07-09.

Conditions:
X-linked Alport syndrome (ATS1). Also called: NEPHROPATHY AND DEAFNESS, X-LINKED; COL4A5-Related Nephropathy. Identifiers: Orphanet 63, Orphanet 88917, MedGen C4746986, MONDO:0010520, OMIM 301050.

Submissions (2):

Centre de Génétique Humaine, Institut de Pathologie Et de Génétique
Classification: Likely pathogenic for X-linked Alport syndrome. Last evaluated: 2026-07-09. Review status: criteria provided, single submitter. Criteria: ACMG Guidelines, 2015. Collection method: clinical testing. Allele origin: paternal, germline. Inheritance: X-linked dominant inheritance. Affected: yes. Observed: 3 variant alleles, 2 heterozygotes, 1 hemizygote. Clinical features observed: Microscopic hematuria (HP:0002907), Moderate albuminuria (HP:0012594), Hypertensive disorder (HP:0000822), Stage 5 chronic kidney disease (HP:0003774). Segregation with disease observed.
Comment: This missense variant involves a highly conserved leucine located in the carboxy NC domaine (PP2). This variant is rare: absent in gnomAD v4.1.0 database (PM2). In silico analysis supports that this missense variant has a deleterious effect (PP3). Described in ClinVar as LP (PP5).Cosegragation in a family analysed in our lab (PP1).

Genetics Department, Catlab
Classification: Likely pathogenic for X-linked Alport syndrome. Last evaluated: 2025-09-04. Review status: criteria provided, single submitter. Criteria: ACMG Guidelines, 2015. Collection method: clinical testing. Allele origin: germline. Affected: yes. Observed: 1 variant allele.
Comment: The c.4406T>G variant in the COL4A5 gene produces the change of a leucine for an arginine at position 1469 of the protein. The variant is not present in gnomAD v4.1 (PM2_moderate) and has a REVEL score of 0.96 (PP3_strong). With all the available evidence, the variant is classified as likely pathogenic.

NM_033380.3(COL4A5):c.4406T>G (p.Leu1469Arg)

Gene: COL4A5 (collagen type IV alpha 5 chain; plus strand). Cytogenetic location: Xq22.3.
Variant type: single nucleotide variant.
Coding change: c.4406T>G on transcript NM_033380.3 (MANE Select); coding-DNA position 4406, T replaced by G.
Protein change: p.Leu1469Arg; replaces leucine 1469 with arginine.
Molecular consequence: missense variant.
Genome position (GRCh38, 1-based): chrX:108,687,572, T>G. VCF-style: chrX-108687572-T-G. GRCh37 (hg19) VCF-style: chrX-107930802-T-G.
Other names: p.(Leu1469Arg); c.4388T>G, p.Leu1463Arg (NM_000495.5); short protein forms L1463R, L1469R.
Identifiers: ClinVar variation 4537369 (VCV004537369.2).